The following is an entry in ClinVar:

NM_001005242.3(PKP2):c.1882A>G (p.Lys628Glu)

Gene: PKP2 (plakophilin 2; minus strand). Cytogenetic location: 12p11.21.
Variant type: single nucleotide variant.
Coding change: c.1882A>G on transcript NM_001005242.3 (MANE Select); coding-DNA position 1882, A replaced by G.
Protein change: p.Lys628Glu; replaces lysine 628 with glutamic acid.
Molecular consequence: missense variant.
Genome position (GRCh38, 1-based): chr12:32,821,487, T>C on the plus strand (A>G on the coding strand, the complement: PKP2 is on the minus strand). VCF-style: chr12-32821487-T-C. GRCh37 (hg19) VCF-style: chr12-32974421-T-C.
Other names: c.1882A>G, p.Lys628Glu (NM_001407155.1, NM_001407161.1); c.1717A>G, p.Lys573Glu (NM_001407156.1); c.2014A>G, p.Lys672Glu (NM_001407157.1, NM_004572.4); c.1555A>G, p.Lys519Glu (NM_001407158.1, NM_001407159.1, NM_001407160.1 and 1 more transcripts); short protein forms K573E, K519E, K628E, K672E.
Identifiers: ClinVar variation 3014005 (VCV003014005.4), dbSNP rs1034972298, ClinGen allele CA235235084.
Genomic context (GRCh38, chr12:32,821,487, plus strand): 5'-TGGCGATCAAGGACAGATACATCCTTATAACAATGGAATGCCACAGCCACTCCACGCCCT[T>C]GGGGTTGCTCTTTTCCTCCGGCATCGGCACGTCCTGGTATTGCTGACCACACACAAAAGG-3'
Protein context (NP_001005242.2, residues 618-638): VPMPEEKSNP[Lys628Glu]GVEWLWHSIV

ClinVar aggregate classification (germline): Uncertain significance. Review status: criteria provided, multiple submitters, no conflicts (2 of 4 stars). 2 submissions from 2 submitters: Uncertain significance (2). Last evaluated 2026-07-13.

Conditions:
Arrhythmogenic right ventricular dysplasia 9 (ARVD9). Also called: Arrhythmogenic Right Ventricular Dysplasia/Cardiomyopathy 9; ARRHYTHMOGENIC RIGHT VENTRICULAR DYSPLASIA, FAMILIAL, 9. Identifiers: MedGen C1836906, MONDO:0012180, OMIM 609040.
Cardiovascular phenotype. Identifiers: MedGen CN230736.

Allele frequency attached by ClinVar (database versions not stated): TOPMed below 0.00001.
gnomAD v4.1: 1 of 1,614,062 alleles (0.000062%); highest among the groups gnomAD compares: East Asian, 0.0022%; no homozygotes.

Submissions (2):

Ambry Genetics
Classification: Uncertain significance for Cardiovascular phenotype. Last evaluated: 2026-07-13. Review status: criteria provided, single submitter. Criteria: Ambry Variant Classification Scheme 2023. Collection method: clinical testing. Allele origin: germline.
Comment: The p.K672E variant (also known as c.2014A>G), located in coding exon 10 of the PKP2 gene, results from an A to G substitution at nucleotide position 2014. The lysine at codon 672 is replaced by glutamic acid, an amino acid with similar properties. This amino acid position is conserved. In addition, this alteration is predicted to be tolerated by in silico analysis. Based on the available evidence, the clinical significance of this variant remains unclear.

Labcorp Genetics (formerly Invitae), Labcorp
Classification: Uncertain significance for Arrhythmogenic right ventricular dysplasia 9. Last evaluated: 2023-02-23. Review status: criteria provided, single submitter. Criteria: Invitae Variant Classification Sherloc (09022015). Collection method: clinical testing. Allele origin: germline.
Comment: This sequence change replaces lysine, which is basic and polar, with glutamic acid, which is acidic and polar, at codon 672 of the PKP2 protein (p.Lys672Glu). This variant is not present in population databases (gnomAD no frequency). This variant has not been reported in the literature in individuals affected with PKP2-related conditions. An algorithm developed to predict the effect of missense changes on protein structure and function (PolyPhen-2) suggests that this variant is likely to be tolerated. In summary, the available evidence is currently insufficient to determine the role of this variant in disease. Therefore, it has been classified as a Variant of Uncertain Significance.